The following is an entry in ClinVar:

ClinVar aggregate classification (germline): Pathogenic (1 of 4 stars; one submission).

Conditions:
Ehlers-Danlos syndrome due to tenascin-X deficiency (EDSCLL1). Also called: TNXB-Related Classical-Like Ehlers-Danlos Syndrome; Ehlers-Danlos syndrome, classic-like, 1; EHLERS-DANLOS SYNDROME, CLASSIC-LIKE; EDS DUE TO TNX DEFICIENCY; TNX DEFICIENCY. Identifiers: Orphanet 230839, MedGen C1848029, MONDO:0011670, OMIM 606408.

Submission:

Myriad Genetics, Inc.
Classification: Pathogenic for Ehlers-Danlos syndrome due to tenascin-X deficiency. Last evaluated: 2025-06-05. Review status: criteria provided, single submitter. Criteria: Myriad Autosomal Dominant, Autosomal Recessive and X-Linked Classification Criteria (2023). Collection method: clinical testing. Allele origin: unknown.
Comment: NM_019105.6(TNXB):c.5430delC(Y1810*) is a nonsense variant classified as pathogenic in the context of classical-like Ehlers-Danlos syndrome, TNXB-related. Y1810* has not been observed in cases with relevant disease. Relevant functional assessments of this variant are not available in the literature. Y1810* has not been observed in referenced population frequency databases. In summary, NM_019105.6(TNXB):c.5430delC(Y1810*) is a nonsense variant in a gene where loss of function is a known mechanism of disease and is predicted to disrupt protein function. Please note: this variant was assessed in the context of healthy population screening.

NM_001365276.2(TNXB):c.5430del (p.Gln1809_Tyr1810insTer)

Gene: TNXB (tenascin XB; minus strand). Cytogenetic location: 6p21.33.
Variant type: Deletion.
Coding change: c.5430del on transcript NM_001365276.2 (MANE Select); coding-DNA position 5430, one base deleted (C; older notation c.5430delC).
Protein change: p.Gln1809_Tyr1810insTer.
Molecular consequence: nonsense.
Genome position (GRCh38, 1-based): chr6:32,069,710, G deleted on the plus strand (C on the coding strand, the reverse complement: TNXB is on the minus strand). VCF-style (leftmost placement, unchanged base first): chr6-32069709-TG-T. GRCh37 (hg19) VCF-style: chr6-32037486-TG-T.
Other names: c.6171del, p.Gln2056_Tyr2057insTer (NM_001428335.1); c.5430del, p.Gln1809_Tyr1810insTer (NM_019105.8).
Identifiers: ClinVar variation 4081812 (VCV004081812.1).